The following is an entry in ClinVar:

ClinVar aggregate classification (germline): Pathogenic (1 of 4 stars; one submission).

Submission:

Labcorp Genetics (formerly Invitae), Labcorp
Classification: Pathogenic. Last evaluated: 2023-05-02. Review status: criteria provided, single submitter. Criteria: Invitae Variant Classification Sherloc (09022015). Collection method: clinical testing. Allele origin: germline.
Comment: This variant has not been reported in the literature in individuals affected with PCDH15-related conditions. For these reasons, this variant has been classified as Pathogenic. This variant disrupts a region of the PCDH15 protein in which other variant(s) (p.Val1578Alafs*6) have been determined to be pathogenic (PMID: 33089500; Invitae). This suggests that this is a clinically significant region of the protein, and that variants that disrupt it are likely to be disease-causing. This variant is not present in population databases (gnomAD no frequency). This sequence change creates a premature translational stop signal (p.Ala1413Aspfs*70) in the PCDH15 gene. While this is not anticipated to result in nonsense mediated decay, it is expected to disrupt the last 543 amino acid(s) of the PCDH15 protein.

Literature cited by the submitters: PubMed 33089500.

NM_001384140.1(PCDH15):c.4238del (p.Ala1413fs)

Gene: PCDH15 (protocadherin related 15; minus strand). Cytogenetic location: 10q21.1.
Variant type: Deletion.
Coding change: c.4238del on transcript NM_001384140.1 (MANE Select); coding-DNA position 4238, one base deleted (C; older notation c.4238delC).
Protein change: p.Ala1413fs; shifts the reading frame from alanine 1413.
Molecular consequence: frameshift variant.
Genome position (GRCh38, 1-based): chr10:53,827,522, G deleted on the plus strand (C on the coding strand, the reverse complement: PCDH15 is on the minus strand). VCF-style (leftmost placement, unchanged base first): chr10-53827521-TG-T. GRCh37 (hg19) VCF-style: chr10-55587281-TG-T.
Other names: c.4253del, p.Ala1418fs (NM_001142763.2, NM_001142771.2); c.4238del, p.Ala1413fs (NM_001142764.2, NM_001142770.3, NM_001142772.2 and 3 more transcripts); c.4025del, p.Ala1342fs (NM_001142765.2); c.4229del, p.Ala1410fs (NM_001142766.2); c.4118del, p.Ala1373fs (NM_001142767.2); c.4172del, p.Ala1391fs (NM_001142768.2, NM_001354404.2); c.4274delC, p.Ala1425Aspfs (NM_001142769.4); c.4163del, p.Ala1388fs (NM_001142773.2); and 1 more; short protein forms A1388fs, A1413fs, A1420fs, A1373fs, A1342fs, A1410fs, A1425fs, A1391fs.
Identifiers: ClinVar variation 2861509 (VCV002861509.3), dbSNP rs2492554859, ClinGen allele CA2739265401.
Genomic context (GRCh38, chr10:53,827,521, plus strand): 5'-TGCCACTGGTGCAGGAGCCGGCACTGCTGGTTTAGCCGCGGGTAATGCGGCCTGAATTCG[TG>T]CAGTCTTTGTACACTCAGCTTGACGTCTTGGATAAAGTAAGGATGGCTTGTAAAACTCAT-3'